The following is an entry in ClinVar:

NM_018975.4(TERF2IP):c.656C>T (p.Ala219Val)

Gene: TERF2IP (TERF2 interacting protein; plus strand). Cytogenetic location: 16q23.1.
Variant type: single nucleotide variant.
Coding change: c.656C>T on transcript NM_018975.4 (MANE Select); coding-DNA position 656, C replaced by T.
Protein change: p.Ala219Val; replaces alanine 219 with valine.
Molecular consequence: missense variant. On other transcripts: non-coding transcript variant (1).
Genome position (GRCh38, 1-based): chr16:75,648,538, C>T. VCF-style: chr16-75648538-C-T. GRCh37 (hg19) VCF-style: chr16-75682436-C-T.
Other names: short protein forms A219V.
Identifiers: ClinVar variation 1754229 (VCV001754229.2), dbSNP rs2507075438, ClinGen allele CA396818383.

ClinVar aggregate classification (germline): Uncertain significance (1 of 4 stars; one submission).

Submission:

Ambry Genetics
Classification: Uncertain significance. Last evaluated: 2022-01-07. Review status: criteria provided, single submitter. Criteria: Ambry Variant Classification Scheme 2023. Collection method: clinical testing. Allele origin: germline.
Comment: The p.A219V variant (also known as c.656C>T), located in coding exon 1 of the TERF2IP gene, results from a C to T substitution at nucleotide position 656. The alanine at codon 219 is replaced by valine, an amino acid with similar properties. This amino acid position is conserved. In addition, this alteration is predicted to be tolerated by in silico analysis. Since supporting evidence is limited at this time, the clinical significance of this alteration remains unclear.